The following is an entry in ClinVar:

ClinVar aggregate classification (germline): Conflicting classifications of pathogenicity. Review status: criteria provided, conflicting classifications (1 of 4 stars). 4 submissions from 4 submitters: Uncertain significance (1); Likely benign (3). Last evaluated 2025-04-12.

Conditions:
ALX4-related disorder. Also called: ALX4-related condition.
Frontonasal dysplasia with alopecia and genital anomaly. Identifiers: Orphanet 228390, MedGen C3150703, MONDO:0013268, OMIM 613451.

Allele frequency attached by ClinVar (database versions not stated): gnomAD exomes 0.00011 and 0.00026; ESP Exome Variant Server 0.00044; ExAC 0.00062; TOPMed 0.00134; gnomAD 0.00135 and 0.00151; 1000 Genomes Project 30x 0.00141; 1000 Genomes Project 0.00180.
gnomAD v4.1: 362 of 1,589,208 alleles (0.023%); highest among the groups gnomAD compares: African/African-American, 0.43%; no homozygotes.

Submissions (4):

PreventionGenetics, part of Exact Sciences
Classification: Likely benign for ALX4-related condition. Last evaluated: 2025-04-12. Review status: criteria provided, single submitter. Criteria: ACMG Guidelines, 2015. Collection method: clinical testing. Allele origin: germline.
Comment: This variant is classified as likely benign based on ACMG/AMP sequence variant interpretation guidelines (Richards et al. 2015 PMID: 25741868, with internal and published modifications).

Labcorp Genetics (formerly Invitae), Labcorp
Classification: Likely benign. Last evaluated: 2024-11-21. Review status: criteria provided, single submitter. Criteria: Invitae Variant Classification Sherloc (09022015). Collection method: clinical testing. Allele origin: germline.

GeneDx
Classification: Likely benign. Last evaluated: 2021-02-09. Review status: criteria provided, single submitter. Criteria: GeneDx Variant Classification Process June 2021. Collection method: clinical testing. Allele origin: germline. Affected: yes.

Baylor Genetics
Classification: Uncertain significance for Frontonasal dysplasia with alopecia and genital anomaly. Last evaluated: 2018-05-25. Review status: criteria provided, single submitter. Criteria: ACMG Guidelines, 2015. Collection method: clinical testing. Allele origin: unknown. Affected: yes.
Comment: This variant was determined to be of uncertain significance according to ACMG Guidelines, 2015 [PMID:25741868].

NM_021926.4(ALX4):c.440G>A (p.Ser147Asn)

Gene: ALX4 (ALX homeobox 4; minus strand). Cytogenetic location: 11p11.2.
Variant type: single nucleotide variant.
Coding change: c.440G>A on transcript NM_021926.4 (MANE Select); coding-DNA position 440, G replaced by A.
Protein change: p.Ser147Asn; replaces serine 147 with asparagine.
Molecular consequence: missense variant.
Genome position (GRCh38, 1-based): chr11:44,309,623, C>T on the plus strand (G>A on the coding strand, the complement: ALX4 is on the minus strand). VCF-style: chr11-44309623-C-T. GRCh37 (hg19) VCF-style: chr11-44331173-C-T.
Other names: short protein forms S147N.
Identifiers: ClinVar variation 735628 (VCV000735628.10), dbSNP rs374726657, ClinGen allele CA5955739.